The following is an entry in ClinVar:

NM_024675.4(PALB2):c.1490del (p.Asn497fs)

Gene: PALB2 (partner and localizer of BRCA2; minus strand). Cytogenetic location: 16p12.2.
Variant type: Deletion.
Coding change: c.1490del on transcript NM_024675.4 (MANE Select); coding-DNA position 1490, one base deleted (A; older notation c.1490delA).
Protein change: p.Asn497fs; shifts the reading frame from asparagine 497.
Molecular consequence: frameshift variant.
Genome position (GRCh38, 1-based): chr16:23,635,056, T deleted on the plus strand (A on the coding strand, the reverse complement: PALB2 is on the minus strand); the first of 2 consecutive T bases (chr16:23,635,056-23,635,057); deleting either gives the same sequence. VCF-style (leftmost placement, unchanged base first): chr16-23635055-AT-A. GRCh37 (hg19) VCF-style: chr16-23646376-AT-A.
Other names: c.1490delA (NM_024675.3); short protein forms N497fs.
Identifiers: ClinVar variation 460897 (VCV000460897.21), dbSNP rs1555461253, ClinGen allele CA658658421.

ClinVar aggregate classification (germline): Pathogenic. Review status: criteria provided, multiple submitters, no conflicts (2 of 4 stars). 6 submissions from 6 submitters: Pathogenic (5). 1 of the submissions does not count toward it. Last evaluated 2025-11-11.

Conditions:
Familial cancer of breast. Also called: BREAST CANCER, FAMILIAL; Hereditary breast cancer; hereditary breast carcinoma. Identifiers: Orphanet 227535, MedGen C0346153, MONDO:0016419, OMIM 114480. Disease mechanism: loss of function.
Fanconi anemia complementation group N. Also called: PALB2-Related Fanconi Anemia. Identifiers: Orphanet 84, MedGen C1835817, MONDO:0012565, OMIM 610832. Disease mechanism: loss of function.
Hereditary cancer-predisposing syndrome. Also called: Neoplastic Syndromes, Hereditary; Tumor predisposition; Hereditary neoplastic syndrome; Hereditary Cancer Syndrome. Identifiers: Orphanet 140162, MedGen C0027672, MeSH D009386, MONDO:0015356.

Submissions (6):

Labcorp Genetics (formerly Invitae), Labcorp
Classification: Pathogenic for Familial cancer of breast. Last evaluated: 2025-11-11. Review status: criteria provided, single submitter. Criteria: Invitae Variant Classification Sherloc (09022015). Collection method: clinical testing. Allele origin: germline.
Comment: This sequence change creates a premature translational stop signal (p.Asn497Metfs*64) in the PALB2 gene. It is expected to result in an absent or disrupted protein product. Loss-of-function variants in PALB2 are known to be pathogenic (PMID: 17200668, 17200671, 17200672, 24136930, 25099575). This variant is not present in population databases (gnomAD no frequency). This variant has not been reported in the literature in individuals affected with PALB2-related conditions. ClinVar contains an entry for this variant (Variation ID: 460897). For these reasons, this variant has been classified as Pathogenic.

Ambry Genetics
Classification: Pathogenic for Hereditary cancer-predisposing syndrome. Last evaluated: 2025-04-09. Review status: criteria provided, single submitter. Criteria: Ambry Variant Classification Scheme 2023. Collection method: clinical testing. Allele origin: germline.
Comment: The c.1490delA pathogenic mutation, located in coding exon 4 of the PALB2 gene, results from a deletion of one nucleotide at nucleotide position 1490, causing a translational frameshift with a predicted alternate stop codon (p.N497Mfs*64). This variant is considered to be rare based on population cohorts in the Genome Aggregation Database (gnomAD). This alteration is expected to result in loss of function by premature protein truncation or nonsense-mediated mRNA decay. As such, this alteration is interpreted as a disease-causing mutation.

GeneDx
Classification: Pathogenic. Last evaluated: 2024-10-03. Review status: criteria provided, single submitter. Criteria: GeneDx Variant Classification Process June 2021. Collection method: clinical testing. Allele origin: germline.
Comment: Frameshift variant predicted to result in protein truncation or nonsense mediated decay in a gene for which loss of function is a known mechanism of disease; Observed in an individual with a personal history of breast cancer in the published literature (PMID: 32427313); Published functional studies support a damaging effect: abnormal homologous recombination/non-homologous end-joining DNA repair (PMID: 33964450); Truncating variants in this gene are considered pathogenic by a well-established clinical consortium and/or database; Not observed at significant frequency in large population cohorts (gnomAD); This variant is associated with the following publications: (PMID: 32427313, 33964450)

Baylor Genetics
Classification: Pathogenic for Familial cancer of breast. Last evaluated: 2023-06-14. Review status: criteria provided, single submitter. Criteria: ACMG Guidelines, 2015. Collection method: clinical testing. Allele origin: unknown.

Myriad Genetics, Inc.
Classification: Pathogenic for Familial cancer of breast. Last evaluated: 2023-03-30. Review status: criteria provided, single submitter. Criteria: Myriad Autosomal Dominant, Autosomal Recessive and X-Linked Classification Criteria (2023). Collection method: clinical testing. Allele origin: unknown.
Comment: This variant is considered pathogenic. This variant creates a frameshift predicted to result in premature protein truncation.

Counsyl
Classification: Likely pathogenic for Familial cancer of breast. Last evaluated: 2018-05-16. Review status: no assertion criteria provided. Collection method: clinical testing. Allele origin: unknown. Not counted in ClinVar's aggregate classification.

Literature cited by the submitters: PubMed 17200668 (cited by Labcorp Genetics (formerly Invitae), Labcorp); PubMed 17200671 (cited by Labcorp Genetics (formerly Invitae), Labcorp); PubMed 17200672 (cited by Labcorp Genetics (formerly Invitae), Labcorp); PubMed 24136930 (cited by Labcorp Genetics (formerly Invitae), Labcorp); PubMed 25099575 (cited by Labcorp Genetics (formerly Invitae), Labcorp).